The following is an entry in ClinVar:

ClinVar aggregate classification (germline): Uncertain significance (1 of 4 stars; one submission).

Submission:

Labcorp Genetics (formerly Invitae), Labcorp
Classification: Uncertain significance. Last evaluated: 2025-02-20. Review status: criteria provided, single submitter. Criteria: Invitae Variant Classification Sherloc (09022015). Collection method: clinical testing. Allele origin: germline.
Comment: This sequence change replaces proline, which is neutral and non-polar, with threonine, which is neutral and polar, at codon 1191 of the COL4A6 protein (p.Pro1191Thr). This variant is not present in population databases (gnomAD no frequency). This variant has not been reported in the literature in individuals affected with COL4A6-related conditions. An algorithm developed to predict the effect of missense changes on protein structure and function (PolyPhen-2) suggests that this variant is likely to be disruptive. In summary, the available evidence is currently insufficient to determine the role of this variant in disease. Therefore, it has been classified as a Variant of Uncertain Significance.

NM_033641.4(COL4A6):c.3568C>A (p.Pro1190Thr)

Gene: COL4A6 (collagen type IV alpha 6 chain; minus strand). Cytogenetic location: Xq22.3.
Variant type: single nucleotide variant.
Coding change: c.3568C>A on transcript NM_033641.4 (MANE Select); coding-DNA position 3568, C replaced by A.
Protein change: p.Pro1190Thr; replaces proline 1190 with threonine.
Molecular consequence: missense variant.
Genome position (GRCh38, 1-based): chrX:108,169,618, G>T on the plus strand (C>A on the coding strand, the complement: COL4A6 is on the minus strand). VCF-style: chrX-108169618-G-T. GRCh37 (hg19) VCF-style: chrX-107412848-G-T.
Other names: c.3619C>A, p.Pro1207Thr (NM_001287758.2); c.3496C>A, p.Pro1166Thr (NM_001287759.2, NM_001287760.2); c.3571C>A, p.Pro1191Thr (NM_001847.4); short protein forms P1190T, P1191T, P1207T, P1166T.
Identifiers: ClinVar variation 3686939 (VCV003686939.2).
Genomic context (GRCh38, chrX:108,169,618, plus strand): 5'-ATCCTTTTTCTCCTTTGGGTCCAGGGAGACCAGCAGGCCCAGGCACACCGGTGATACTAG[G>T]TCCTAGGAGGAGATGCAGGGGTAGGGGGCAGACCTCAGTGGAGGTGAGGCCTTCCTGCCT-3'
Protein context (NP_378667.1, residues 1180-1200): GTKGTHGTPG[Pro1190Thr]SITGVPGPAG